The following is an entry in ClinVar:

NM_007272.3(CTRC):c.181G>A (p.Gly61Arg)

Gene: CTRC (chymotrypsin C; plus strand). Cytogenetic location: 1p36.21.
Variant type: single nucleotide variant.
Coding change: c.181G>A on transcript NM_007272.3 (MANE Select); coding-DNA position 181, G replaced by A.
Protein change: p.Gly61Arg; replaces glycine 61 with arginine.
Molecular consequence: missense variant.
Genome position (GRCh38, 1-based): chr1:15,440,541, G>A. VCF-style: chr1-15440541-G-A. GRCh37 (hg19) VCF-style: chr1-15767037-G-A.
Other names: c.181G>A (NM_007272.2); short protein forms G61R.
Identifiers: ClinVar variation 1330384 (VCV001330384.15), dbSNP rs769482036, ClinGen allele CA613253.

ClinVar aggregate classification (germline): Conflicting classifications of pathogenicity. Review status: criteria provided, conflicting classifications (1 of 4 stars). 4 submissions from 4 submitters: Likely pathogenic (2); Uncertain significance (2). Last evaluated 2024-03-30.

Conditions:
CTRC-related disorder. Also called: CTRC-related condition.
Hereditary pancreatitis (PCTT). Also called: Hereditary chronic pancreatitis; PRSS1-Related Hereditary Pancreatitis. Identifiers: Orphanet 676, MedGen C0238339, MONDO:0008185, OMIM 167800.

Allele frequency attached by ClinVar (database versions not stated): gnomAD exomes 0.00001; ExAC 0.00002; gnomAD 0.00002 and 0.00003; TOPMed 0.00002.

Submissions (4):

Ambry Genetics
Classification: Uncertain significance for Hereditary pancreatitis. Last evaluated: 2024-03-30. Review status: criteria provided, single submitter. Criteria: Ambry Variant Classification Scheme 2023. Collection method: clinical testing. Allele origin: germline.
Comment: The p.G61R variant (also known as c.181G>A), located in coding exon 3 of the CTRC gene, results from a G to A substitution at nucleotide position 181. The glycine at codon 61 is replaced by arginine, an amino acid with dissimilar properties. This variant was reported in two individuals with pancreatitis; one individual was also heterozygous for SPINK1 p.N34S (Derikx MH et al. Eur J Gastroenterol Hepatol, 2009 Aug;21:889-94; Zou WB et al. Clin Transl Gastroenterol, 2018 Nov;9:204). In multiple assays testing CTRC function, this variant showed functionally abnormal results (Derikx MH et al. Eur J Gastroenterol Hepatol, 2009 Aug;21:889-94; Beer S et al. Gut, 2013 Nov;62:1616-24; Binker MG et al. Biochem Biophys Res Commun, 2015 Jul;463:329-35). This amino acid position is highly conserved in available vertebrate species. In addition, this alteration is predicted to be deleterious by in silico analysis. Based on the available evidence, the clinical significance of this alteration remains unclear.

Blueprint Genetics
Classification: Likely pathogenic for CTRC-related disorders. Last evaluated: 2024-01-15. Review status: criteria provided, single submitter. Criteria: ACMG Guidelines, 2015. Collection method: clinical testing. Allele origin: germline. Affected: yes. Observed: 1 variant allele.

Labcorp Genetics (formerly Invitae), Labcorp
Classification: Uncertain significance for Hereditary pancreatitis. Last evaluated: 2022-07-05. Review status: criteria provided, single submitter. Criteria: Invitae Variant Classification Sherloc (09022015). Collection method: clinical testing. Allele origin: germline.
Comment: This variant is present in population databases (rs769482036, gnomAD 0.008%). This missense change has been observed in individual(s) with autosomal dominant hereditary pancreatitis (PMID: 19404200, 30420730). ClinVar contains an entry for this variant (Variation ID: 1330384). Advanced modeling of protein sequence and biophysical properties (such as structural, functional, and spatial information, amino acid conservation, physicochemical variation, residue mobility, and thermodynamic stability) performed at Invitae indicates that this missense variant is expected to disrupt CTRC protein function. Studies have shown that this missense change alters CTRC gene expression (PMID: 19404200, 22942235, 26022124). In summary, the available evidence is currently insufficient to determine the role of this variant in disease. Therefore, it has been classified as a Variant of Uncertain Significance. This sequence change replaces glycine, which is neutral and non-polar, with arginine, which is basic and polar, at codon 61 of the CTRC protein (p.Gly61Arg).

ARUP Laboratories, Molecular Genetics and Genomics, ARUP Laboratories
Classification: Likely pathogenic for Hereditary pancreatitis. Last evaluated: 2020-11-06. Review status: criteria provided, single submitter. Criteria: ARUP Molecular Germline Variant Investigation Process 2021. Collection method: clinical testing. Allele origin: germline.
Comment: The CTRC c.181G>A; p.Gly61Arg variant (rs769482036) is reported in individuals with chronic pancreatitis (Beer 2013, Derikx 2009, Zou 2018) and functional analysis shows this variant causes complete loss of CTRC secretion (Beer 2013, Derikx 2009). This variant is found in the general population with a low overall allele frequency of 0.002% (5/282788 alleles) in the Genome Aggregation Database, indicating it is not a common polymorphism. The glycine at codon 61 is highly conserved, and computational analyses predict that this variant is deleterious (REVEL: 0.942). Based on available information, this variant is considered to be likely pathogenic. REFERENCES Beer S et al. Comprehensive functional analysis of chymotrypsin C (CTRC) variants reveals distinct loss-of-function mechanisms associated with pancreatitis risk. Gut. 2013 Nov;62(11):1616-24. Derikx MH et al. Tropical calcific pancreatitis and its association with CTRC and SPINK1 (p.N34S) variants. Eur J Gastroenterol Hepatol. 2009 Aug;21(8):889-94. Zou WB et al. SPINK1, PRSS1, CTRC, and CFTR Genotypes Influence Disease Onset and Clinical Outcomes in Chronic Pancreatitis. Clin Transl Gastroenterol. 2018 Nov 12;9(11):204.

Literature cited by the submitters: PubMed 19404200 (cited by Ambry Genetics and Labcorp Genetics (formerly Invitae), Labcorp); PubMed 22942235 (cited by Ambry Genetics and Labcorp Genetics (formerly Invitae), Labcorp); PubMed 26022124 (cited by Ambry Genetics and Labcorp Genetics (formerly Invitae), Labcorp); PubMed 30420730 (cited by Ambry Genetics and Labcorp Genetics (formerly Invitae), Labcorp).